The following is an entry in ClinVar:

ClinVar aggregate classification (germline): Likely pathogenic (1 of 4 stars; one submission).

Conditions:
Usher syndrome type 1 (USH1). Also called: RETINITIS PIGMENTOSA AND CONGENITAL DEAFNESS. Identifiers: Orphanet 231169, Orphanet 886, MedGen C1568247, MONDO:0010168, OMIM 276900.

Submission:

Myriad Genetics, Inc.
Classification: Likely pathogenic for Usher syndrome type 1. Last evaluated: 2019-03-31. Review status: criteria provided, single submitter. Criteria: Myriad Women's Health Autosomal Recessive and X-Linked Classification Criteria (2019). Collection method: clinical testing. Allele origin: unknown.
Comment: NM_000260.3(MYO7A):c.4321A>T(K1441*) is expected to be pathogenic in the context of MYO7A-related disorders. This variant is predicted to lead to an abnormal or absent protein product due to the creation of a premature termination codon in MYO7A, a gene where loss-of-function variants are known to be pathogenic. Please note: this variant was assessed in the context of healthy population screening.

NM_000260.4(MYO7A):c.4321A>T (p.Lys1441Ter)

Gene: MYO7A (myosin VIIA; plus strand). Cytogenetic location: 11q13.5.
Variant type: single nucleotide variant.
Coding change: c.4321A>T on transcript NM_000260.4 (MANE Select); coding-DNA position 4321, A replaced by T.
Protein change: p.Lys1441Ter; replaces lysine 1441 with a stop codon.
Molecular consequence: nonsense.
Genome position (GRCh38, 1-based): chr11:77,194,522, A>T. VCF-style: chr11-77194522-A-T. GRCh37 (hg19) VCF-style: chr11-76905567-A-T.
Other names: c.4321A>T, p.Lys1441Ter (NM_001127180.2); c.4288A>T, p.Lys1430Ter (NM_001369365.1); short protein forms K1430*, K1441*.
Identifiers: ClinVar variation 983734 (VCV000983734.3), dbSNP rs1956496669, ClinGen allele CA381949457.